The following is an entry in ClinVar:

NM_001754.5(RUNX1):c.1336C>T (p.Leu446Phe)

Gene: RUNX1 (RUNX family transcription factor 1; minus strand). Cytogenetic location: 21q22.12.
Variant type: single nucleotide variant.
Coding change: c.1336C>T on transcript NM_001754.5 (MANE Select); coding-DNA position 1336, C replaced by T.
Protein change: p.Leu446Phe; replaces leucine 446 with phenylalanine.
Molecular consequence: missense variant.
Genome position (GRCh38, 1-based): chr21:34,792,242, G>A on the plus strand (C>T on the coding strand, the complement: RUNX1 is on the minus strand). VCF-style: chr21-34792242-G-A. GRCh37 (hg19) VCF-style: chr21-36164539-G-A.
Other names: NM_001754.5(RUNX1):c.1336C>T; p.Leu446Phe; c.1255C>T, p.Leu419Phe (NM_001001890.3); short protein forms L419F, L446F.
Identifiers: ClinVar variation 2792019 (VCV002792019.4), dbSNP rs2145873182, ClinGen allele CA410147291.

ClinVar aggregate classification (germline): Uncertain significance. Review status: reviewed by expert panel (3 of 4 stars). 2 submissions from 2 submitters: Uncertain significance (1). 1 of the submissions does not count toward it. Last evaluated 2025-01-15.

Conditions:
Hereditary thrombocytopenia and hematological cancer predisposition syndrome associated with RUNX1. Also called: Familial Platelet Disorder with Propensity to Acute Myelogenous Leukemia; Familial thrombocytopenia with propensity to acute myelogenous leukemia; PLATELET DISORDER, ASPIRIN-LIKE; RUNX1 Familial Platelet Disorder with Associated Myeloid Malignancies. Identifiers: Orphanet 71290, MedGen C1832388, MeSH C563324, MONDO:0100083, OMIM 601399.
Hereditary thrombocytopenia and hematologic cancer predisposition syndrome. Identifiers: Orphanet 71290, MedGen CN281654, MONDO:0011071.

Submissions (2):

ClinGen Myeloid Malignancy Variant Curation Expert Panel
Classification: Uncertain significance for Hereditary thrombocytopenia and hematologic cancer predisposition syndrome. Last evaluated: 2025-01-15. Review status: reviewed by expert panel. Criteria: ClinGen MyeloMalig ACMG Specifications v2. Collection method: curation. Allele origin: germline. Inheritance: Autosomal dominant inheritance.
Comment: NM_001754.5(RUNX1):c.1336C>T (p.Leu446Phe) is a missense variant predicted to substitute leucine with phenylalanine at amino acid 446. This variant is absent from gnomAD v2, v3, and v4 (PM2_supporting) and has not been reported in relevant cases in the literature. The computational predictor REVEL gives a score of 0.315, which is below the threshold of 0.50, and the splice site predictor SpliceAI indicates no impact on splicing, evidence that does not predict a damaging effect on RUNX1 function (BP4). In summary, this variant meets criteria to be classified as a variant of uncertain significance (VUS) for autosomal dominant hereditary thrombocytopenia and hematologic cancer predisposition syndrome. ACMG/AMP criteria applied, as specified by the ClinGen Myeloid Malignancy VCEP: PM2_supporting and BP4.

Labcorp Genetics (formerly Invitae), Labcorp
Classification: Uncertain significance for Hereditary thrombocytopenia and hematological cancer predisposition syndrome associated with RUNX1. Last evaluated: 2023-09-11. Review status: criteria provided, single submitter. Criteria: Invitae Variant Classification Sherloc (09022015). Collection method: clinical testing. Allele origin: germline. Not counted in ClinVar's aggregate classification.
Comment: This sequence change replaces leucine, which is neutral and non-polar, with phenylalanine, which is neutral and non-polar, at codon 446 of the RUNX1 protein (p.Leu446Phe). This variant is not present in population databases (gnomAD no frequency). This variant has not been reported in the literature in individuals affected with RUNX1-related conditions. Advanced modeling of protein sequence and biophysical properties (such as structural, functional, and spatial information, amino acid conservation, physicochemical variation, residue mobility, and thermodynamic stability) has been performed at Invitae for this missense variant, however the output from this modeling did not meet the statistical confidence thresholds required to predict the impact of this variant on RUNX1 protein function. In summary, the available evidence is currently insufficient to determine the role of this variant in disease. Therefore, it has been classified as a Variant of Uncertain Significance.